The following is an entry in ClinVar:

NM_001127222.2(CACNA1A):c.5685C>T (p.Thr1895=)

Gene: CACNA1A (calcium voltage-gated channel subunit alpha1 A; minus strand). Cytogenetic location: 19p13.13.
Variant type: single nucleotide variant.
Coding change: c.5685C>T on transcript NM_001127222.2 (MANE Select); coding-DNA position 5685, C replaced by T.
Protein change: p.Thr1895=; no amino-acid change (threonine 1895 retained).
Molecular consequence: synonymous variant.
Genome position (GRCh38, 1-based): chr19:13,224,713, G>A on the plus strand (C>T on the coding strand, the complement: CACNA1A is on the minus strand). VCF-style: chr19-13224713-G-A. GRCh37 (hg19) VCF-style: chr19-13335527-G-A.
Other names: c.5703C>T, p.Thr1901= (NM_000068.4, NM_023035.3); c.5688C>T, p.Thr1896= (NM_001127221.2); c.5694C>T, p.Thr1898= (NM_001174080.2); c.5685C>T (NM_001127222.1).
Identifiers: ClinVar variation 197028 (VCV000197028.56), dbSNP rs757291476, ClinGen allele CA244920.

ClinVar aggregate classification (germline): Conflicting classifications of pathogenicity. Review status: criteria provided, conflicting classifications (1 of 4 stars). 7 submissions from 7 submitters: Uncertain significance (1); Likely benign (5). 1 of the submissions does not count toward it. Last evaluated 2026-06-04.

Conditions:
CACNA1A-related disorder. Also called: CACNA1A-related condition.
Episodic ataxia type 2 (EA2). Also called: ACETAZOLAMIDE-RESPONSIVE HEREDITARY PAROXYSMAL CEREBELLAR ATAXIA; ATAXIA, EPISODIC, WITH NYSTAGMUS; ATAXIA, FAMILIAL PAROXYSMAL; CEREBELLAR ATAXIA, PAROXYSMAL, ACETAZOLAMIDE-RESPONSIVE; CEREBELLOPATHY, HEREDITARY PAROXYSMAL; EPISODIC ATAXIA, NYSTAGMUS-ASSOCIATED. Identifiers: Orphanet 97, MedGen C1720416, MONDO:0007163, OMIM 108500.
Developmental and epileptic encephalopathy, 42 (DEE42A). Also called: Epileptic encephalopathy, early infantile, 42; DEVELOPMENTAL AND EPILEPTIC ENCEPHALOPATHY 42A; EPILEPTIC ENCEPHALOPATHY, EARLY INFANTILE, 42A. Identifiers: MedGen C4310716, MONDO:0014917, OMIM 617106.
Inborn genetic diseases. Identifiers: MedGen C0950123, MeSH D030342.

Allele frequency attached by ClinVar (database versions not stated): TOPMed below 0.00001; ExAC 0.00001; gnomAD 0.00001.
gnomAD v4.1: 71 of 1,613,096 alleles (0.0044%); highest among the groups gnomAD compares: Middle Eastern, 0.91%; no homozygotes.

Submissions (7):

Ambry Genetics
Classification: Likely benign for Inborn genetic diseases. Last evaluated: 2026-06-04. Review status: criteria provided, single submitter. Criteria: Ambry Variant Classification Scheme 2023. Collection method: clinical testing. Allele origin: germline.

Labcorp Genetics (formerly Invitae), Labcorp
Classification: Likely benign for Developmental and epileptic encephalopathy, 42; Episodic ataxia type 2. Last evaluated: 2025-08-14. Review status: criteria provided, single submitter. Criteria: Invitae Variant Classification Sherloc (09022015). Collection method: clinical testing. Allele origin: germline.

CeGaT Center for Human Genetics Tuebingen
Classification: Likely benign. Last evaluated: 2025-04-01. Review status: criteria provided, single submitter. Criteria: CeGaT Center For Human Genetics Tuebingen Variant Classification Criteria Version 2. Collection method: clinical testing. Allele origin: germline. Affected: yes. Observed: 4 variant alleles.
Comment: CACNA1A: BP4, BP7

Blueprint Genetics
Classification: Likely benign. Last evaluated: 2024-11-27. Review status: criteria provided, single submitter. Criteria: ACMG Guidelines, 2015. Collection method: clinical testing. Allele origin: germline.

GeneDx
Classification: Likely benign. Last evaluated: 2019-11-14. Review status: criteria provided, single submitter. Criteria: GeneDx Variant Classification Process June 2021. Collection method: clinical testing. Allele origin: germline. Affected: yes.

Eurofins Ntd Llc (ga)
Classification: Uncertain significance. Last evaluated: 2016-08-11. Review status: criteria provided, single submitter. Criteria: EGL Classification Definitions 2015. Collection method: clinical testing. Allele origin: germline. Observed: 2 variant alleles, 2 heterozygotes.

PreventionGenetics, part of Exact Sciences
Classification: Likely benign for CACNA1A-related condition. Last evaluated: 2019-04-18. Review status: no assertion criteria provided. Collection method: clinical testing. Allele origin: germline. Not counted in ClinVar's aggregate classification.
Comment: This variant is classified as likely benign based on ACMG/AMP sequence variant interpretation guidelines (Richards et al. 2015 PMID: 25741868, with internal and published modifications).